The following is an entry in ClinVar:

ClinVar aggregate classification (germline): Benign/Likely benign. Review status: criteria provided, multiple submitters, no conflicts (2 of 4 stars). 16 submissions from 16 submitters: Benign (6); Likely benign (6). 4 of the submissions do not count toward it. Last evaluated 2026-05-01.

Conditions:
TPM1-related disorder. Also called: TPM1-related condition.
Cardiovascular phenotype. Identifiers: MedGen CN230736.
Cardiomyopathy (CMYO). Also called: Cardiomyopathies. Identifiers: Orphanet 167848, MedGen C0878544, MONDO:0004994, HP:0001638. Inheritance: Various modes of inheritance.
Hypertrophic cardiomyopathy. Also called: HYPERTROPHIC MYOCARDIOPATHY. Identifiers: Orphanet 217569, MedGen C0007194, MeSH D002312, MONDO:0005045, HP:0001639.

Allele frequency attached by ClinVar (database versions not stated): ExAC 0.00088; gnomAD 0.00254 and 0.00273; 1000 Genomes Project 0.00260; gnomAD exomes 0.00021 and 0.00067; TOPMed 0.00280; ESP Exome Variant Server 0.00292; 1000 Genomes Project 30x 0.00344.
gnomAD v4.1: 706 of 1,614,170 alleles (0.044%); highest among the groups gnomAD compares: African/African-American, 0.81%; 2 homozygotes.

Submissions (16):

CeGaT Center for Human Genetics Tuebingen
Classification: Likely benign. Last evaluated: 2026-05-01. Review status: criteria provided, single submitter. Criteria: CeGaT Center For Human Genetics Tuebingen Variant Classification Criteria Version 2. Collection method: clinical testing. Allele origin: germline. Affected: yes. Observed: 1 variant allele.
Comment: TPM1: BP4, BP7, BS1

Labcorp Genetics (formerly Invitae), Labcorp
Classification: Benign for Hypertrophic cardiomyopathy. Last evaluated: 2026-02-03. Review status: criteria provided, single submitter. Criteria: Invitae Variant Classification Sherloc (09022015). Collection method: clinical testing. Allele origin: germline.

PreventionGenetics, part of Exact Sciences
Classification: Likely benign for TPM1-related condition. Last evaluated: 2026-01-06. Review status: criteria provided, single submitter. Criteria: ACMG Guidelines, 2015. Collection method: clinical testing. Allele origin: germline.
Comment: This variant is classified as likely benign based on ACMG/AMP sequence variant interpretation guidelines (Richards et al. 2015 PMID: 25741868, with internal and published modifications).

Molecular Diagnostic Laboratory for Inherited Cardiovascular Disease, Montreal Heart Institute
Classification: Likely benign. Last evaluated: 2025-04-09. Review status: criteria provided, single submitter. Criteria: ACMG Guidelines, 2015. Collection method: clinical testing. Allele origin: germline. Affected: no.

ARUP Laboratories, Molecular Genetics and Genomics, ARUP Laboratories
Classification: Likely benign. Last evaluated: 2025-03-25. Review status: criteria provided, single submitter. Criteria: ARUP Molecular Germline Variant Investigation Process 2024. Collection method: clinical testing. Allele origin: germline.

Blueprint Genetics
Classification: Likely benign. Last evaluated: 2024-09-13. Review status: criteria provided, single submitter. Criteria: ACMG Guidelines, 2015. Collection method: clinical testing. Allele origin: germline.

All of Us Research Program, National Institutes of Health
Classification: Benign for Hypertrophic cardiomyopathy. Last evaluated: 2024-02-05. Review status: criteria provided, single submitter. Criteria: ACMG Guidelines, 2015. Collection method: clinical testing. Allele origin: germline. Inheritance: Autosomal dominant inheritance. Observed: 122 variant alleles, 120 heterozygotes, 2 homozygotes.
Comment: This study involves interpretation of variants in research participants for the purpose of population health screening. Participant phenotype was not available at the time of variant classification. Additional details can be found in publication PMID: 35346344, PMCID: PMC8962531

Women's Health and Genetics/Laboratory Corporation of America, LabCorp
Classification: Benign. Last evaluated: 2023-08-19. Review status: criteria provided, single submitter. Criteria: LabCorp Variant Classification Summary - May 2015. Collection method: clinical testing. Allele origin: germline.

Color Diagnostics, LLC DBA Color Health
Classification: Benign for Cardiomyopathy. Last evaluated: 2018-11-25. Review status: criteria provided, single submitter. Criteria: ACMG Guidelines, 2015. Collection method: clinical testing. Allele origin: germline.

Ambry Genetics
Classification: Likely benign for Cardiovascular phenotype. Last evaluated: 2016-12-02. Review status: criteria provided, single submitter. Criteria: Ambry Variant Classification Scheme 2023. Collection method: clinical testing. Allele origin: germline.

Laboratory for Molecular Medicine, Mass General Brigham Personalized Medicine
Classification: Benign. Last evaluated: 2015-09-28. Review status: criteria provided, single submitter. Criteria: LMM Criteria. Collection method: clinical testing. Allele origin: germline. Observed: 8 variant alleles.
Comment: p.Tyr60Tyr in exon 2 of TPM1: This variant is not expected to have clinical sign ificance because it does not alter an amino acid residue and is not located with in the splice consensus sequence. It has been identified in 0.9% (98/10336) of A frican chromosomes by the Exome Aggregation Consortium (ExAC; dbSNP rs17850194).

GeneDx
Classification: Benign. Last evaluated: 2013-04-11. Review status: criteria provided, single submitter. Criteria: GeneDx Variant Classification (06012015). Collection method: clinical testing. Allele origin: germline. Affected: yes.
Comment: This variant is considered likely benign or benign based on one or more of the following criteria: it is a conservative change, it occurs at a poorly conserved position in the protein, it is predicted to be benign by multiple in silico algorithms, and/or has population frequency not consistent with disease.

Cohesion Phenomics
Classification: Benign for Hypertrophic Cardiomyopathy. Last evaluated: 2022-09-27. Review status: no assertion criteria provided. Criteria: ACMG Guidelines, 2015. Collection method: clinical testing. Allele origin: germline. Affected: yes. Not counted in ClinVar's aggregate classification.

Clinical Genetics, Academic Medical Center
Classification: Benign. Review status: no assertion criteria provided. Collection method: clinical testing. Allele origin: germline. Affected: yes. Study: VKGL Data-share Consensus. Not counted in ClinVar's aggregate classification.

Diagnostic Laboratory, Department of Genetics, University Medical Center Groningen
Classification: Likely benign. Review status: no assertion criteria provided. Collection method: clinical testing. Allele origin: germline. Affected: yes. Study: VKGL Data-share Consensus. Not counted in ClinVar's aggregate classification.

Joint Genome Diagnostic Labs from Nijmegen and Maastricht, Radboudumc and MUMC+
Classification: Benign. Review status: no assertion criteria provided. Collection method: clinical testing. Allele origin: germline. Affected: yes. Study: VKGL Data-share Consensus. Not counted in ClinVar's aggregate classification.

NM_001018005.2(TPM1):c.180C>T (p.Tyr60=)

Gene: TPM1 (tropomyosin 1; plus strand). Cytogenetic location: 15q22.2.
Variant type: single nucleotide variant.
Coding change: c.180C>T on transcript NM_001018005.2 (MANE Select); coding-DNA position 180, C replaced by T.
Protein change: p.Tyr60=; no amino-acid change (tyrosine 60 retained).
Molecular consequence: synonymous variant. On other transcripts: intron variant (3).
Genome position (GRCh38, 1-based): chr15:63,044,092, C>T. VCF-style: chr15-63044092-C-T. GRCh37 (hg19) VCF-style: chr15-63336291-C-T.
Other names: p.Y60Y:TAC>TAT; c.180C>T, p.Tyr60= (NM_000366.6, NM_001018004.2, NM_001018006.2 and 3 more transcripts); c.306C>T, p.Tyr102= (NM_001365778.1); c.240+261C>T (NM_001018020.2, NM_001018007.2, NM_001301244.2).
Identifiers: ClinVar variation 43405 (VCV000043405.46), dbSNP rs17850194, ClinGen allele CA017886.